The following is an entry in ClinVar:

NM_004655.4(AXIN2):c.53G>T (p.Arg18Leu)

Gene: AXIN2 (axin 2; minus strand). Cytogenetic location: 17q24.1.
Variant type: single nucleotide variant.
Coding change: c.53G>T on transcript NM_004655.4 (MANE Select); coding-DNA position 53, G replaced by T.
Protein change: p.Arg18Leu; replaces arginine 18 with leucine.
Molecular consequence: missense variant.
Genome position (GRCh38, 1-based): chr17:65,558,568, C>A on the plus strand (G>T on the coding strand, the complement: AXIN2 is on the minus strand). VCF-style: chr17-65558568-C-A. GRCh37 (hg19) VCF-style: chr17-63554686-C-A.
Other names: c.53G>T, p.Arg18Leu (NM_001363813.1); short protein forms R18L.
Identifiers: ClinVar variation 4188494 (VCV004188494.1).

ClinVar aggregate classification (germline): Uncertain significance (1 of 4 stars; one submission).

Conditions:
Hereditary cancer-predisposing syndrome. Also called: Neoplastic Syndromes, Hereditary; Tumor predisposition; Hereditary Cancer Syndrome; Hereditary neoplastic syndrome. Identifiers: Orphanet 140162, MedGen C0027672, MeSH D009386, MONDO:0015356.

Submission:

Ambry Genetics
Classification: Uncertain significance for Hereditary cancer-predisposing syndrome. Last evaluated: 2025-08-25. Review status: criteria provided, single submitter. Criteria: Ambry Variant Classification Scheme 2023. Collection method: clinical testing. Allele origin: germline.
Comment: The p.R18L variant (also known as c.53G>T), located in coding exon 1 of the AXIN2 gene, results from a G to T substitution at nucleotide position 53. The arginine at codon 18 is replaced by leucine, an amino acid with dissimilar properties. This amino acid position is conserved. In addition, this alteration is predicted to be tolerated by in silico analysis. Based on the available evidence, the clinical significance of this variant remains unclear.